The following is an entry in ClinVar:

ClinVar aggregate classification (germline): Uncertain significance (1 of 4 stars; one submission).

Conditions:
Metachromatic leukodystrophy (MLD). Also called: Cerebral sclerosis diffuse metachromatic form; Arylsulfatase A Deficiency; METACHROMATIC LEUKOENCEPHALOPATHY; SULFATIDE LIPIDOSIS; ARSA DEFICIENCY; CEREBROSIDE SULFATASE DEFICIENCY. Identifiers: Orphanet 512, MedGen C0023522, MONDO:0018868, OMIM 250100.

Allele frequency attached by ClinVar (database versions not stated): gnomAD exomes below 0.00001.
gnomAD v4.1: 1 of 1,613,430 alleles (0.000062%); highest among the groups gnomAD compares: Non-Finnish European, 0.000085%; no homozygotes.

Submission:

Neuberg Centre For Genomic Medicine, NCGM
Classification: Uncertain significance for Metachromatic leukodystrophy. Review status: criteria provided, single submitter. Criteria: ACMG Guidelines, 2015. Collection method: clinical testing. Allele origin: germline. Inheritance: Autosomal recessive inheritance. Affected: yes.
Comment: The missense variant p.F221I in ARSA (NM_000487.6) has not been reported previously as a pathogenic variant nor as a benign variant, to our knowledge. The p.F221I variant is novel (not in any individuals) in gnomAD Exomes and is novel (not in any individuals) in 1000 Genomes. The p.F221I missense variant is predicted to be damaging by both SIFT and PolyPhen2. The phenylalanine residue at codon 221 of ARSA is conserved in all mammalian species. The nucleotide c.661 in ARSA is predicted conserved by GERP++ and PhyloP across 100 vertebrates. For these reasons, this variant has been classified as Uncertain Significance.

NM_000487.6(ARSA):c.661T>A (p.Phe221Ile)

Gene: ARSA (arylsulfatase A; minus strand). Cytogenetic location: 22q13.33.
Variant type: single nucleotide variant.
Coding change: c.661T>A on transcript NM_000487.6 (MANE Select); coding-DNA position 661, T replaced by A.
Protein change: p.Phe221Ile; replaces phenylalanine 221 with isoleucine.
Molecular consequence: missense variant.
Genome position (GRCh38, 1-based): chr22:50,626,857, A>T on the plus strand (T>A on the coding strand, the complement: ARSA is on the minus strand). VCF-style: chr22-50626857-A-T. GRCh37 (hg19) VCF-style: chr22-51065285-A-T.
Other names: c.661T>A, p.Phe221Ile (NM_001085425.3, NM_001085426.3, NM_001085427.3); c.403T>A, p.Phe135Ile (NM_001085428.3, NM_001362782.2); short protein forms F135I, F221I.
Identifiers: ClinVar variation 2627540 (VCV002627540.1), dbSNP rs199476383, ClinGen allele CA412177035.